The following is an entry in ClinVar:

NM_005733.3(KIF20A):c.2305G>A (p.Gly769Arg)

Gene: KIF20A (kinesin family member 20A; plus strand). Cytogenetic location: 5q31.2.
Variant type: single nucleotide variant.
Coding change: c.2305G>A on transcript NM_005733.3 (MANE Select); coding-DNA position 2305, G replaced by A.
Protein change: p.Gly769Arg; replaces glycine 769 with arginine.
Molecular consequence: missense variant.
Genome position (GRCh38, 1-based): chr5:138,186,381, G>A. VCF-style: chr5-138186381-G-A. GRCh37 (hg19) VCF-style: chr5-137522070-G-A.
Other names: short protein forms G769R.
Identifiers: ClinVar variation 1409287 (VCV001409287.8), dbSNP rs2151234312, ClinGen allele CA361119516.

ClinVar aggregate classification (germline): Uncertain significance (1 of 4 stars; one submission).

gnomAD v4.1: 1 of 1,610,154 alleles (0.000062%); highest among the groups gnomAD compares: Non-Finnish European, 0.000085%; no homozygotes.

Submission:

Labcorp Genetics (formerly Invitae), Labcorp
Classification: Uncertain significance. Last evaluated: 2024-10-22. Review status: criteria provided, single submitter. Criteria: Invitae Variant Classification Sherloc (09022015). Collection method: clinical testing. Allele origin: germline.
Comment: This sequence change replaces glycine, which is neutral and non-polar, with arginine, which is basic and polar, at codon 769 of the KIF20A protein (p.Gly769Arg). This variant is not present in population databases (gnomAD no frequency). This variant has not been reported in the literature in individuals affected with KIF20A-related conditions. ClinVar contains an entry for this variant (Variation ID: 1409287). An algorithm developed to predict the effect of missense changes on protein structure and function (PolyPhen-2) suggests that this variant is likely to be disruptive. In summary, the available evidence is currently insufficient to determine the role of this variant in disease. Therefore, it has been classified as a Variant of Uncertain Significance.